The following is an entry in ClinVar:

ClinVar aggregate classification (germline): Pathogenic (1 of 4 stars; one submission).

Submission:

Labcorp Genetics (formerly Invitae), Labcorp
Classification: Pathogenic. Last evaluated: 2021-10-14. Review status: criteria provided, single submitter. Criteria: Invitae Variant Classification Sherloc (09022015). Collection method: clinical testing. Allele origin: germline.
Comment: This variant is a gross deletion of the genomic region encompassing exon(s) 15 of the PCDH15 gene. This deletion is out-of-frame, and is expected to create a premature termination codon and result in an absent or disrupted protein product. Loss-of-function variants in PCDH15 are known to be pathogenic (PMID: 11398101, 11487575, 14570705). This variant has not been reported in the literature in individuals affected with PCDH15-related conditions. For these reasons, this variant has been classified as Pathogenic.

Literature cited by the submitters: PubMed 11398101; PubMed 11487575; PubMed 14570705.

NC_000010.10:g.(?_55892625)_(55892777_?)del

Gene: PCDH15 (protocadherin related 15; minus strand). Cytogenetic location: 10q21.1.
Variant type: Deletion.
Identifiers: ClinVar variation 1456940 (VCV001456940.5).